The following is an entry in ClinVar:

NM_002485.5(NBN):c.644G>A (p.Arg215Gln)

Gene: NBN (nibrin; minus strand). Cytogenetic location: 8q21.3.
Variant type: single nucleotide variant.
Coding change: c.644G>A on transcript NM_002485.5 (MANE Select); coding-DNA position 644, G replaced by A.
Protein change: p.Arg215Gln; replaces arginine 215 with glutamine.
Molecular consequence: missense variant.
Genome position (GRCh38, 1-based): chr8:89,971,231, C>T on the plus strand (G>A on the coding strand, the complement: NBN is on the minus strand). VCF-style: chr8-89971231-C-T. GRCh37 (hg19) VCF-style: chr8-90983459-C-T.
Other names: c.398G>A, p.Arg133Gln (NM_001024688.3); short protein forms R215Q, R133Q.
Identifiers: ClinVar variation 141888 (VCV000141888.42), dbSNP rs61753718, ClinGen allele CA166707.

ClinVar aggregate classification (germline): Uncertain significance. Review status: criteria provided, multiple submitters, no conflicts (2 of 4 stars). 13 submissions from 13 submitters: Uncertain significance (11). 2 of the submissions do not count toward it. Last evaluated 2025-11-17.

Conditions:
Hereditary cancer-predisposing syndrome. Also called: Neoplastic Syndromes, Hereditary; Hereditary Cancer Syndrome; Hereditary neoplastic syndrome; Tumor predisposition. Identifiers: Orphanet 140162, MedGen C0027672, MeSH D009386, MONDO:0015356.
Aplastic anemia. Identifiers: Orphanet 182040, Orphanet 88, MedGen C0002874, MONDO:0015909, OMIM 609135, HP:0001915.
Microcephaly, normal intelligence and immunodeficiency (NBS). Also called: Immunodeficiency, microcephaly with normal intelligence; SEEMANOVA SYNDROME II; Nijmegen breakage syndrome; Microcephaly with normal intelligence immunodeficiency and lymphoreticular malignancies; Nonsyndromal microcephaly autosomal recessive with normal intelligence; Seemanova syndrome 2. Identifiers: Orphanet 647, MedGen C0398791, MONDO:0009623, OMIM 251260.

Allele frequency attached by ClinVar (database versions not stated): gnomAD 0.00001; ExAC 0.00002; gnomAD exomes 0.00002 and 0.00003; TOPMed 0.00005.
gnomAD v4.1: 42 of 1,613,014 alleles (0.0026%); highest among the groups gnomAD compares: Non-Finnish European, 0.0034%; no homozygotes.

Submissions (13):

Labcorp Genetics (formerly Invitae), Labcorp
Classification: Uncertain significance for Microcephaly, normal intelligence and immunodeficiency. Last evaluated: 2025-11-17. Review status: criteria provided, single submitter. Criteria: Invitae Variant Classification Sherloc (09022015). Collection method: clinical testing. Allele origin: germline.
Comment: This sequence change replaces arginine, which is basic and polar, with glutamine, which is neutral and polar, at codon 215 of the NBN protein (p.Arg215Gln). This variant is present in population databases (rs61753718, gnomAD 0.005%). This variant has not been reported in the literature in individuals affected with NBN-related conditions. ClinVar contains an entry for this variant (Variation ID: 141888). An algorithm developed to predict the effect of missense changes on protein structure and function (PolyPhen-2) suggests that this variant is likely to be disruptive. In summary, the available evidence is currently insufficient to determine the role of this variant in disease. Therefore, it has been classified as a Variant of Uncertain Significance.

Ambry Genetics
Classification: Uncertain significance for Hereditary cancer-predisposing syndrome. Last evaluated: 2024-10-23. Review status: criteria provided, single submitter. Criteria: Ambry Variant Classification Scheme 2023. Collection method: clinical testing. Allele origin: germline.
Comment: The p.R215Q variant (also known as c.644G>A), located in coding exon 6 of the NBN gene, results from a G to A substitution at nucleotide position 644. The arginine at codon 215 is replaced by glutamine, an amino acid with highly similar properties. This variant was reported in 4/60,466 breast cancer cases and in 5/53,461 controls (Dorling et al. N Engl J Med. 2021 02;384:428-439). This amino acid position is not well conserved in available vertebrate species. In addition, this alteration is predicted to be tolerated by in silico analysis. Since supporting evidence is limited at this time, the clinical significance of this alteration remains unclear.

Women's Health and Genetics/Laboratory Corporation of America, LabCorp
Classification: Uncertain significance. Last evaluated: 2024-09-09. Review status: criteria provided, single submitter. Criteria: LabCorp Variant Classification Summary - May 2015. Collection method: clinical testing. Allele origin: germline.
Comment: Variant summary: NBN c.644G>A (p.Arg215Gln) results in a conservative amino acid change in the encoded protein sequence. Four of five in-silico tools predict a benign effect of the variant on protein function. The variant allele was found at a frequency of 2.4e-05 in 250882 control chromosomes. The available data on variant occurrences in the general population are insufficient to allow any conclusion about variant significance. c.644G>A has been reported in the literature in a cohort of individuals with increased risk of cancer (Belhadj_2023). These report(s) do not provide unequivocal conclusions about association of the variant with Nijmegen Breakage Syndrome. To our knowledge, no experimental evidence demonstrating an impact on protein function has been reported. The following publication has been ascertained in the context of this evaluation (PMID: 36346689). ClinVar contains an entry for this variant (Variation ID: 141888). Based on the evidence outlined above, the variant was classified as uncertain significance.

Baylor Genetics
Classification: Uncertain significance for Aplastic anemia. Last evaluated: 2024-02-13. Review status: criteria provided, single submitter. Criteria: ACMG Guidelines, 2015. Collection method: clinical testing. Allele origin: unknown.

GeneDx
Classification: Uncertain significance. Last evaluated: 2023-05-11. Review status: criteria provided, single submitter. Criteria: GeneDx Variant Classification Process June 2021. Collection method: clinical testing. Allele origin: germline. Affected: yes.
Comment: In silico analysis supports that this missense variant does not alter protein structure/function; Observed in cases and controls in a breast cancer study (Dorling et al., 2021); This variant is associated with the following publications: (PMID: 31278556, 33471991)

St. Jude Molecular Pathology, St. Jude Children's Research Hospital
Classification: Uncertain significance for Microcephaly, normal intelligence and immunodeficiency. Last evaluated: 2022-10-07. Review status: criteria provided, single submitter. Criteria: St. Jude Assertion Criteria 2020. Collection method: clinical testing. Allele origin: germline.
Comment: The NBN c.644G>A (p.Arg215Gln) missense change has a maximum subpopulation frequency of 0.0047% in gnomAD v2.1.1. The in silico tool REVEL predicts a benign effect on protein function, but to our knowledge this prediction has not been confirmed by functional studies. This variant has been reported in a large case-control study of breast cancer in 4 of 60,466 cases and 5 of 53,461 controls (PMID: 33471991). To our knowledge, this variant has not been reported in individuals with Nijmegan breakage syndrome. In summary, the evidence currently available is insufficient to determine the clinical significance of this variant. It has therefore been classified as of uncertain significance.

Revvity Omics, Revvity
Classification: Uncertain significance. Last evaluated: 2022-03-08. Review status: criteria provided, single submitter. Criteria: ACMG Guidelines, 2015. Collection method: clinical testing. Allele origin: germline.

Sema4
Classification: Uncertain significance for Hereditary cancer-predisposing syndrome. Last evaluated: 2021-12-05. Review status: criteria provided, single submitter. Criteria: Sema4 Curation Guidelines. Collection method: curation. Allele origin: germline.
Comment: The NBN c.644G>A (p.R215Q) variant has been reported in a large case-control study of breast cancer in 4/60466 cases and 5/53461 controls (PMID: 33471991). It was observed in 6/128824 chromosomes of the Non-Finnish European subpopulation in the large and broad cohorts of the Genome Aggregation Database (PMID: 32461654). This variant has been reported in ClinVar (Variation ID: 141888). Functional studies have not been performed, and in silico predictions of the variant's effect on protein function are inconclusive. The evidence is insufficient to meet ACMG/AMP criteria for classifying the variant as benign or pathogenic. Thus, the clinical significance of this variant is currently uncertain.

Genome-Nilou Lab
Classification: Uncertain significance for Microcephaly, normal intelligence and immunodeficiency. Last evaluated: 2021-11-07. Review status: criteria provided, single submitter. Criteria: ACMG Guidelines, 2015. Collection method: clinical testing. Allele origin: germline. Affected: no.

Genetic Services Laboratory, University of Chicago
Classification: Uncertain significance. Last evaluated: 2020-03-19. Review status: criteria provided, single submitter. Criteria: ACMG Guidelines, 2015. Collection method: clinical testing. Allele origin: germline. Affected: no.
Comment: DNA sequence analysis of the NBN gene demonstrated a sequence change, c.644G>A, in exon 6 that results in an amino acid change, p.Arg215Gln. This sequence change does not appear to have been previously described in patients with NBN-related disorders and has been described in the gnomAD database with a low population frequency of 0.0047% in the non-Finnish European subpopulation (dbSNP rs61753718). The p.Arg215Gln change affects a moderatel conserved amino acid residue located in a domain of the NBN protein that is not known to be functional. In-silico pathogenicity prediction tools (SIFT, PolyPhen2, Align GVGD, REVEL) provide contradictory results for the p.Arg215Gln substitution. Due to these contrasting evidences and the lack of functional studies, the clinical significance of the p.Arg215Gln change remains unknown at this time.

Quest Diagnostics Nichols Institute San Juan Capistrano
Classification: Uncertain significance. Last evaluated: 2019-03-12. Review status: criteria provided, single submitter. Criteria: Quest Diagnostics criteria. Collection method: clinical testing. Allele origin: germline.

Natera, Inc.
Classification: Uncertain significance for Nijmegen breakage syndrome. Last evaluated: 2020-09-16. Review status: no assertion criteria provided. Collection method: clinical testing. Allele origin: germline. Not counted in ClinVar's aggregate classification.

Counsyl
Classification: Uncertain significance for Microcephaly, normal intelligence and immunodeficiency. Last evaluated: 2018-04-03. Review status: no assertion criteria provided. Collection method: clinical testing. Allele origin: unknown. Not counted in ClinVar's aggregate classification.

Literature cited by the submitters: PubMed 33471991 (cited by Ambry Genetics and Sema4); PubMed 36346689 (cited by Women's Health and Genetics/Laboratory Corporation of America, LabCorp).